The following is an entry in ClinVar:

NM_001379110.1(SLC9A6):c.775A>G (p.Asn259Asp)

Gene: SLC9A6 (solute carrier family 9 member A6; plus strand). Cytogenetic location: Xq26.3.
Variant type: single nucleotide variant.
Coding change: c.775A>G on transcript NM_001379110.1 (MANE Select); coding-DNA position 775, A replaced by G.
Protein change: p.Asn259Asp; replaces asparagine 259 with aspartic acid.
Molecular consequence: missense variant.
Genome position (GRCh38, 1-based): chrX:136,010,473, A>G. VCF-style: chrX-136010473-A-G. GRCh37 (hg19) VCF-style: chrX-135092632-A-G.
Other names: c.931A>G, p.Asn311Asp (NM_001042537.2); c.775A>G, p.Asn259Asp (NM_001177651.2, NM_001400909.1, NM_001400910.1 and 2 more transcripts); c.679A>G, p.Asn227Asp (NM_001330652.2, NM_001400913.1); c.835A>G, p.Asn279Asp (NM_006359.3); short protein forms N227D, N259D, N279D, N311D.
Identifiers: ClinVar variation 1718872 (VCV001718872.6), dbSNP rs2521289866, ClinGen allele CA414751149.
Genomic context (GRCh38, chrX:136,010,473, plus strand): 5'-CAGAAGTAAAAGCAGTCTCTCTTCTGTAGCTCAATAGTGGCATACCAGCCAGCTGGAGAC[A>G]ACAGTCACACCTTTGATGTCACAGCGATGTTCAAGTCTATTGGGATCTTCCTTGGAATCT-3'
Protein context (NP_001366039.1, residues 249-269): SIVAYQPAGD[Asn259Asp]SHTFDVTAMF

ClinVar aggregate classification (germline): Uncertain significance (1 of 4 stars; one submission).

Conditions:
Christianson syndrome (MRXSCH). Also called: INTELLECTUAL DEVELOPMENTAL DISORDER, X-LINKED, SYNDROMIC, CHRISTIANSON TYPE; X-linked mental retardation, syndromic, Christianson type; SLC9A6-Related Syndromic Mental Retardation. Identifiers: Orphanet 85278, MedGen C2678194, MONDO:0010278, OMIM 300243.

Submission:

Labcorp Genetics (formerly Invitae), Labcorp
Classification: Uncertain significance for Christianson syndrome. Last evaluated: 2022-09-27. Review status: criteria provided, single submitter. Criteria: Invitae Variant Classification Sherloc (09022015). Collection method: clinical testing. Allele origin: germline.
Comment: This variant has not been reported in the literature in individuals affected with SLC9A6-related conditions. This variant is not present in population databases (gnomAD no frequency). This sequence change replaces asparagine, which is neutral and polar, with aspartic acid, which is acidic and polar, at codon 279 of the SLC9A6 protein (p.Asn279Asp). Advanced modeling of protein sequence and biophysical properties (such as structural, functional, and spatial information, amino acid conservation, physicochemical variation, residue mobility, and thermodynamic stability) performed at Invitae indicates that this missense variant is not expected to disrupt SLC9A6 protein function. In summary, the available evidence is currently insufficient to determine the role of this variant in disease. Therefore, it has been classified as a Variant of Uncertain Significance.